The following is an entry in ClinVar:

ClinVar aggregate classification (germline): Uncertain significance (1 of 4 stars; one submission).

Conditions:
Focal segmental glomerulosclerosis 5 (FSGS5). Identifiers: Orphanet 656, MedGen C2750475, MONDO:0013191, OMIM 613237.
Charcot-Marie-Tooth disease dominant intermediate E. Also called: CHARCOT-MARIE-TOOTH NEUROPATHY WITH FOCAL SEGMENTAL GLOMERULONEPHRITIS. Identifiers: Orphanet 93114, MedGen C4302667, MONDO:0013758, OMIM 614455.

Allele frequency attached by ClinVar (database versions not stated): ExAC 0.00003.

Submission:

Labcorp Genetics (formerly Invitae), Labcorp
Classification: Uncertain significance for Charcot-Marie-Tooth disease dominant intermediate E; Focal segmental glomerulosclerosis 5. Last evaluated: 2022-05-07. Review status: criteria provided, single submitter. Criteria: Invitae Variant Classification Sherloc (09022015). Collection method: clinical testing. Allele origin: germline.
Comment: This variant has not been reported in the literature in individuals affected with INF2-related conditions. The frequency data for this variant in the population databases is considered unreliable, as metrics indicate poor data quality at this position in the gnomAD database. This sequence change replaces asparagine, which is neutral and polar, with lysine, which is basic and polar, at codon 558 of the INF2 protein (p.Asn558Lys). Algorithms developed to predict the effect of missense changes on protein structure and function output the following: SIFT: "Tolerated"; PolyPhen-2: "Not Available"; Align-GVGD: "Class C0". The lysine amino acid residue is found in multiple mammalian species, which suggests that this missense change does not adversely affect protein function. In summary, the available evidence is currently insufficient to determine the role of this variant in disease. Therefore, it has been classified as a Variant of Uncertain Significance.

NM_022489.4(INF2):c.1674C>A (p.Asn558Lys)

Gene: INF2 (inverted formin 2; plus strand). Cytogenetic location: 14q32.33.
Variant type: single nucleotide variant.
Coding change: c.1674C>A on transcript NM_022489.4 (MANE Select); coding-DNA position 1674, C replaced by A.
Protein change: p.Asn558Lys; replaces asparagine 558 with lysine.
Molecular consequence: missense variant.
Genome position (GRCh38, 1-based): chr14:104,707,941, C>A. VCF-style: chr14-104707941-C-A. GRCh37 (hg19) VCF-style: chr14-105174278-C-A.
Other names: c.1674C>A, p.Asn558Lys (NM_001031714.4); short protein forms N558K.
Identifiers: ClinVar variation 1926791 (VCV001926791.5), dbSNP rs562865823, ClinGen allele CA7372620.
Genomic context (GRCh38, chr14:104,707,941, plus strand): 5'-CGTGGCCCAGGTGGACCATGGCTTGGGCTCAGCATGGGTCCCCAGCCATCGGCGGGTGAA[C>A]CCACCCACACTGCGCATGAAGAAGCTGAACTGGCAGAAGCTGCCATCCAACGTGGCACGT-3'
Protein context (NP_071934.3, residues 548-568): SAWVPSHRRV[Asn558Lys]PPTLRMKKLN